The following is an entry in ClinVar:

NM_001042492.3(NF1):c.1755A>G (p.Leu585=)

Gene: NF1 (neurofibromin 1; plus strand). Cytogenetic location: 17q11.2.
Variant type: single nucleotide variant.
Coding change: c.1755A>G on transcript NM_001042492.3 (MANE Select); coding-DNA position 1755, A replaced by G.
Protein change: p.Leu585=; no amino-acid change (leucine 585 retained).
Molecular consequence: synonymous variant.
Genome position (GRCh38, 1-based): chr17:31,223,477, A>G. VCF-style: chr17-31223477-A-G. GRCh37 (hg19) VCF-style: chr17-29550495-A-G.
Other names: c.1755A>G, p.Leu585= (NM_000267.4).
Identifiers: ClinVar variation 820011 (VCV000820011.12), dbSNP rs1597708685, ClinGen allele CA499229742.
Genomic context (GRCh38, chr17:31,223,477, plus strand): 5'-GTAACAATGAACTTTATGTTACTGCAGCTCACAAATGCTTTTTTACATCTGCAAGAAATT[A>G]ACTAGTCATCAAATGCTTAGTAGCACAGAAATTCTCAAGTGGTTGCGGGAAATATTGATC-3'
Protein context (NP_001035957.1, residues 575-595): SQMLFYICKK[Leu585=]TSHQMLSSTE

ClinVar aggregate classification (germline): Benign/Likely benign. Review status: criteria provided, multiple submitters, no conflicts (2 of 4 stars). 4 submissions from 4 submitters: Benign (1); Likely benign (3). Last evaluated 2026-09-23.

Conditions:
Neurofibromatosis, type 1 (NF1). Also called: Neurofibromatosis, type I; Peripheral type neurofibromatosis; VON RECKLINGHAUSEN DISEASE; NEUROFIBROMATOSIS, TYPE I, SOMATIC. Identifiers: Orphanet 636, MedGen C0027831, MONDO:0018975, OMIM 162200. Disease mechanism: loss of function.
Cardiovascular phenotype. Identifiers: MedGen CN230736.
Hereditary cancer-predisposing syndrome. Also called: Hereditary neoplastic syndrome; Neoplastic Syndromes, Hereditary; Tumor predisposition; Hereditary Cancer Syndrome. Identifiers: Orphanet 140162, MedGen C0027672, MeSH D009386, MONDO:0015356.

Submissions (4):

Myriad Genetics, Inc.
Classification: Benign for Neurofibromatosis, type 1. Last evaluated: 2026-09-23. Review status: criteria provided, single submitter. Criteria: Myriad Autosomal Dominant, Autosomal Recessive and X-Linked Classification Criteria (2023). Collection method: clinical testing. Allele origin: unknown.
Comment: This variant is considered benign. This variant is a silent/synonymous amino acid change and it is not expected to impact splicing.

Labcorp Genetics (formerly Invitae), Labcorp
Classification: Likely benign for Neurofibromatosis, type 1. Last evaluated: 2023-02-22. Review status: criteria provided, single submitter. Criteria: Invitae Variant Classification Sherloc (09022015). Collection method: clinical testing. Allele origin: germline.

Genome-Nilou Lab
Classification: Likely benign for Neurofibromatosis, type 1. Last evaluated: 2022-03-15. Review status: criteria provided, single submitter. Criteria: ACMG Guidelines, 2015. Collection method: clinical testing. Allele origin: germline. Affected: no.

Ambry Genetics
Classification: Likely benign for Cardiovascular phenotype; Hereditary cancer-predisposing syndrome. Last evaluated: 2019-04-04. Review status: criteria provided, single submitter. Criteria: Ambry Variant Classification Scheme 2023. Collection method: clinical testing. Allele origin: germline.